The following is an entry in ClinVar:

ClinVar aggregate classification (germline): Benign/Likely benign. Review status: criteria provided, multiple submitters, no conflicts (2 of 4 stars). 3 submissions from 3 submitters: Benign (1); Likely benign (1). 1 of the submissions does not count toward it. Last evaluated 2026-09-01.

Conditions:
BCOR-related disorder. Also called: BCOR-related condition; BCOR-related disorders.
Oculofaciocardiodental syndrome (MCOPS2). Identifiers: Orphanet 2712, MedGen C1846265, MONDO:0010261, OMIM 300166.

Allele frequency attached by ClinVar (database versions not stated): gnomAD 0.00005 and 0.00006; gnomAD exomes 0.00006 and 0.00034; TOPMed 0.00013; ExAC 0.00032.
gnomAD v4.1: 73 of 1,211,134 alleles (0.006%); highest among the groups gnomAD compares: Admixed American, 0.14%; no homozygotes.

Submissions (3):

CeGaT Center for Human Genetics Tuebingen
Classification: Likely benign. Last evaluated: 2026-09-01. Review status: criteria provided, single submitter. Criteria: CeGaT Center For Human Genetics Tuebingen Variant Classification Criteria Version 2. Collection method: clinical testing. Allele origin: germline. Affected: yes. Observed: 2 variant alleles.
Comment: BCOR: BS2

Labcorp Genetics (formerly Invitae), Labcorp
Classification: Benign for Oculofaciocardiodental syndrome. Last evaluated: 2025-11-09. Review status: criteria provided, single submitter. Criteria: Invitae Variant Classification Sherloc (09022015). Collection method: clinical testing. Allele origin: germline.

PreventionGenetics, part of Exact Sciences
Classification: Likely benign for BCOR-related condition. Last evaluated: 2020-09-02. Review status: no assertion criteria provided. Collection method: clinical testing. Allele origin: germline. Not counted in ClinVar's aggregate classification.
Comment: This variant is classified as likely benign based on ACMG/AMP sequence variant interpretation guidelines (Richards et al. 2015 PMID: 25741868, with internal and published modifications).

NM_001123385.2(BCOR):c.3491G>A (p.Arg1164Gln)

Gene: BCOR (BCL6 corepressor; minus strand). Cytogenetic location: Xp11.4.
Variant type: single nucleotide variant.
Coding change: c.3491G>A on transcript NM_001123385.2 (MANE Select); coding-DNA position 3491, G replaced by A.
Protein change: p.Arg1164Gln; replaces arginine 1164 with glutamine.
Molecular consequence: missense variant.
Genome position (GRCh38, 1-based): chrX:40,064,347, C>T on the plus strand (G>A on the coding strand, the complement: BCOR is on the minus strand). VCF-style: chrX-40064347-C-T. GRCh37 (hg19) VCF-style: chrX-39923600-C-T.
Other names: c.3491G>A, p.Arg1164Gln (NM_001123383.2, NM_017745.6); c.3437G>A, p.Arg1146Gln (NM_001123384.2); short protein forms R1164Q, R1146Q.
Identifiers: ClinVar variation 533720 (VCV000533720.17), dbSNP rs769057299, ClinGen allele CA10386624.